The following is an entry in ClinVar:

NM_017617.5(NOTCH1):c.3812G>A (p.Cys1271Tyr)

Gene: NOTCH1 (notch receptor 1; minus strand). Cytogenetic location: 9q34.3.
Variant type: single nucleotide variant.
Coding change: c.3812G>A on transcript NM_017617.5 (MANE Select); coding-DNA position 3812, G replaced by A.
Protein change: p.Cys1271Tyr; replaces cysteine 1271 with tyrosine.
Molecular consequence: missense variant.
Genome position (GRCh38, 1-based): chr9:136,506,805, C>T on the plus strand (G>A on the coding strand, the complement: NOTCH1 is on the minus strand). VCF-style: chr9-136506805-C-T. GRCh37 (hg19) VCF-style: chr9-139401257-C-T.
Other names: short protein forms C1271Y.
Identifiers: ClinVar variation 3005552 (VCV003005552.3), dbSNP rs2133343553, ClinGen allele CA375549180.

ClinVar aggregate classification (germline): Uncertain significance (1 of 4 stars; one submission).

Conditions:
Adams-Oliver syndrome 5 (AOS5). Identifiers: Orphanet 974, MedGen C4014970, MONDO:0014459, OMIM 616028.

Submission:

Labcorp Genetics (formerly Invitae), Labcorp
Classification: Uncertain significance for Adams-Oliver syndrome 5. Last evaluated: 2025-06-08. Review status: criteria provided, single submitter. Criteria: Invitae Variant Classification Sherloc (09022015). Collection method: clinical testing. Allele origin: germline.
Comment: This sequence change replaces cysteine, which is neutral and slightly polar, with tyrosine, which is neutral and polar, at codon 1271 of the NOTCH1 protein (p.Cys1271Tyr). This variant is not present in population databases (gnomAD no frequency). This variant has not been reported in the literature in individuals affected with NOTCH1-related conditions. ClinVar contains an entry for this variant (Variation ID: 3005552). Invitae Evidence Modeling of protein sequence and biophysical properties (such as structural, functional, and spatial information, amino acid conservation, physicochemical variation, residue mobility, and thermodynamic stability) indicates that this missense variant is expected to disrupt NOTCH1 protein function with a positive predictive value of 80%. In summary, the available evidence is currently insufficient to determine the role of this variant in disease. Therefore, it has been classified as a Variant of Uncertain Significance.